The following is an entry in ClinVar:

NM_032043.3(BRIP1):c.559G>A (p.Val187Ile)

Gene: BRIP1 (BRCA1 interacting DNA helicase 1; minus strand). Cytogenetic location: 17q23.2.
Variant type: single nucleotide variant.
Coding change: c.559G>A on transcript NM_032043.3 (MANE Select); coding-DNA position 559, G replaced by A.
Protein change: p.Val187Ile; replaces valine 187 with isoleucine.
Molecular consequence: missense variant.
Genome position (GRCh38, 1-based): chr17:61,847,169, C>T on the plus strand (G>A on the coding strand, the complement: BRIP1 is on the minus strand). VCF-style: chr17-61847169-C-T. GRCh37 (hg19) VCF-style: chr17-59924530-C-T.
Other names: short protein forms V187I.
Identifiers: ClinVar variation 2564604 (VCV002564604.2), dbSNP rs876659064, ClinGen allele CA400483118.
Genomic context (GRCh38, chr17:61,847,169, plus strand): 5'-GCGAAAAGGAGTTTATCTTTTCCAGTGGAGAGTTGAGTTTTACAGTCTTTCCTGAATCAA[C>T]TTTTGCATCCAAATTGTGTACTTCTGTTCCAAAGCAATGACGTTTTCTAATCTGTAAACA-3'
Protein context (NP_114432.2, residues 177-197): GTEVHNLDAK[Val187Ile]DSGKTVKLNS

ClinVar aggregate classification (germline): Uncertain significance (1 of 4 stars; one submission).

Conditions:
Hereditary cancer-predisposing syndrome. Also called: Neoplastic Syndromes, Hereditary; Hereditary Cancer Syndrome; Hereditary neoplastic syndrome; Tumor predisposition. Identifiers: Orphanet 140162, MedGen C0027672, MeSH D009386, MONDO:0015356.

Submission:

Ambry Genetics
Classification: Uncertain significance for Hereditary cancer-predisposing syndrome. Last evaluated: 2023-05-23. Review status: criteria provided, single submitter. Criteria: Ambry Variant Classification Scheme 2023. Collection method: clinical testing. Allele origin: germline.
Comment: The p.V187I variant (also known as c.559G>A), located in coding exon 5 of the BRIP1 gene, results from a G to A substitution at nucleotide position 559. The valine at codon 187 is replaced by isoleucine, an amino acid with highly similar properties. This amino acid position is conserved. In addition, this alteration is predicted to be tolerated by in silico analysis. Since supporting evidence is limited at this time, the clinical significance of this alteration remains unclear.